The following is an entry in ClinVar:

ClinVar aggregate classification (germline): Pathogenic (1 of 4 stars; one submission).

Submission:

GeneDx
Classification: Pathogenic. Last evaluated: 2019-03-01. Review status: criteria provided, single submitter. Criteria: GeneDx Variant Classification (06012015). Collection method: clinical testing. Allele origin: germline. Affected: yes.
Comment: The c.751_752dupTT pathogenic variant in the DDX3X gene causes a frameshift starting with codon Leucine 251, changes this amino acid to a Phenylalanine residue and creates a premature Stop codon at position 2 of the new reading frame, denoted p.Leu251PhefsX2. This pathogenic variant is predicted to cause loss of normal protein function either through protein truncation or nonsense-mediated mRNA decay. The c.751_752dupTT variant is not observed in large population cohorts (Lek et al., 2016). Although this pathogenic variant has not been previously reported to our knowledge, its presence is consistent with the diagnosis of a DDX3X-related disorder in this individual.

NM_001356.5(DDX3X):c.751_752dup (p.Leu251fs)

Gene: DDX3X (DEAD-box helicase 3 X-linked; plus strand). Cytogenetic location: Xp11.4.
Variant type: Duplication.
Coding change: c.751_752dup on transcript NM_001356.5 (MANE Select); coding-DNA positions 751 to 752, 2 bases duplicated (TT; older notation c.751_752dupTT).
Protein change: p.Leu251fs; shifts the reading frame from leucine 251.
Molecular consequence: frameshift variant. On other transcripts: non-coding transcript variant (1).
Genome position (GRCh38, 1-based): chrX:41,343,808-41,343,809, TT duplicated; duplicating any 2 consecutive bases within chrX:41,343,807-41,343,809 gives the same sequence; the c. name uses the placement nearest the transcript's 3' end. VCF-style (leftmost placement, unchanged base first): chrX-41343806-C-CTT. GRCh37 (hg19) VCF-style: chrX-41203059-C-CTT.
Other names: c.751_752dup, p.Leu251fs (NM_001193416.3); c.703_704dup, p.Leu235fs (NM_001193417.3); c.193_194dup, p.Leu65fs (NM_001363819.1); short protein forms L235fs, L251fs, L65fs.
Identifiers: ClinVar variation 818047 (VCV000818047.1), dbSNP rs1602131321, ClinGen allele CA915950994.
Genomic context (GRCh38, chrX:41,343,806, plus strand): 5'-AAACTGCAGCATTTCTGTTGCCCATCTTGAGTCAGATTTATTCAGATGGTCCAGGCGAGG[C>CTT]TTTGAGGGCCATGAAGGTAGATGTTTCTTTATAAAATGGGAAATTGTAGAACTTTGTAGG-3'